The following is an entry in ClinVar:

ClinVar aggregate classification (germline): Uncertain significance (1 of 4 stars; one submission).

Conditions:
Long QT syndrome (LQTS). Identifiers: MedGen C0023976, MeSH D008133, MONDO:0002442. Disease mechanism: loss of function. Inheritance: Various modes of inheritance.

Submission:

Labcorp Genetics (formerly Invitae), Labcorp
Classification: Uncertain significance for Long QT syndrome. Last evaluated: 2019-06-04. Review status: criteria provided, single submitter. Criteria: Invitae Variant Classification Sherloc (09022015). Collection method: clinical testing. Allele origin: germline.
Comment: In summary, the available evidence is currently insufficient to determine the role of this variant in disease. Therefore, it has been classified as a Variant of Uncertain Significance. Algorithms developed to predict the effect of missense changes on protein structure and function are either unavailable or do not agree on the potential impact of this missense change (SIFT: "Deleterious"; PolyPhen-2: "Possibly Damaging"; Align-GVGD: "Class C0"). This variant has not been reported in the literature in individuals with KCNH2-related conditions. This variant is not present in population databases (ExAC no frequency). This sequence change replaces leucine with arginine at codon 1064 of the KCNH2 protein (p.Leu1064Arg). The leucine residue is weakly conserved and there is a moderate physicochemical difference between leucine and arginine.

NM_000238.4(KCNH2):c.3191T>G (p.Leu1064Arg)

Gene: KCNH2 (potassium voltage-gated channel subfamily H member 2; minus strand). Cytogenetic location: 7q36.1.
Variant type: single nucleotide variant.
Coding change: c.3191T>G on transcript NM_000238.4 (MANE Select); coding-DNA position 3191, T replaced by G.
Protein change: p.Leu1064Arg; replaces leucine 1064 with arginine.
Molecular consequence: missense variant.
Genome position (GRCh38, 1-based): chr7:150,947,016, A>C on the plus strand (T>G on the coding strand, the complement: KCNH2 is on the minus strand). VCF-style: chr7-150947016-A-C. GRCh37 (hg19) VCF-style: chr7-150644104-A-C.
Other names: c.2171T>G, p.Leu724Arg (NM_172057.3); short protein forms L1064R, L724R.
Identifiers: ClinVar variation 845095 (VCV000845095.9), dbSNP rs1800917926, ClinGen allele CA369852295.